The following is an entry in ClinVar:

ClinVar aggregate classification (germline): Uncertain significance. Review status: criteria provided, multiple submitters, no conflicts (2 of 4 stars). 2 submissions from 2 submitters: Uncertain significance (2). Last evaluated 2025-03-04.

Conditions:
Charcot-Marie-Tooth disease dominant intermediate B (CMTDIB). Also called: Charcot-Marie-Tooth disease dominant intermediate 1; CMT DI1; Charcot-Marie-Tooth disease dominant intermediate I; CHARCOT-MARIE-TOOTH NEUROPATHY, DOMINANT INTERMEDIATE B. Identifiers: Orphanet 100044, Orphanet 228179, MedGen C1847902, MONDO:0011674, OMIM 606482.

gnomAD v4.1: 4 of 1,614,158 alleles (0.00025%); highest among the groups gnomAD compares: Non-Finnish European, 0.00034%; no homozygotes.

Submissions (2):

GeneDx
Classification: Uncertain significance. Last evaluated: 2025-03-04. Review status: criteria provided, single submitter. Criteria: GeneDx Variant Classification Process June 2021. Collection method: clinical testing. Allele origin: germline. Affected: yes.
Comment: In silico analysis supports that this missense variant has a deleterious effect on protein structure/function; Not observed at significant frequency in large population cohorts (gnomAD); Has not been previously published as pathogenic or benign to our knowledge; This variant is associated with the following publications: (PMID: 16227997)

Labcorp Genetics (formerly Invitae), Labcorp
Classification: Uncertain significance for Charcot-Marie-Tooth disease dominant intermediate B. Last evaluated: 2024-08-24. Review status: criteria provided, single submitter. Criteria: Invitae Variant Classification Sherloc (09022015). Collection method: clinical testing. Allele origin: germline.
Comment: This sequence change replaces aspartic acid, which is acidic and polar, with alanine, which is neutral and non-polar, at codon 574 of the DNM2 protein (p.Asp574Ala). The frequency data for this variant in the population databases is considered unreliable, as metrics indicate poor data quality at this position in the gnomAD database. This variant has not been reported in the literature in individuals affected with DNM2-related conditions. ClinVar contains an entry for this variant (Variation ID: 859377). Invitae Evidence Modeling of protein sequence and biophysical properties (such as structural, functional, and spatial information, amino acid conservation, physicochemical variation, residue mobility, and thermodynamic stability) has been performed for this missense variant. However, the output from this modeling did not meet the statistical confidence thresholds required to predict the impact of this variant on DNM2 protein function. In summary, the available evidence is currently insufficient to determine the role of this variant in disease. Therefore, it has been classified as a Variant of Uncertain Significance.

NM_001005361.3(DNM2):c.1721A>C (p.Asp574Ala)

Gene: DNM2 (dynamin 2; plus strand). Cytogenetic location: 19p13.2.
Variant type: single nucleotide variant.
Coding change: c.1721A>C on transcript NM_001005361.3 (MANE Select); coding-DNA position 1721, A replaced by C.
Protein change: p.Asp574Ala; replaces aspartic acid 574 with alanine.
Molecular consequence: missense variant.
Genome position (GRCh38, 1-based): chr19:10,820,029, A>C. VCF-style: chr19-10820029-A-C. GRCh37 (hg19) VCF-style: chr19-10930705-A-C.
Other names: c.1721A>C, p.Asp574Ala (NM_001005360.3, NM_001190716.2); c.1709A>C, p.Asp570Ala (NM_001005362.3, NM_004945.4); short protein forms D574A, D570A.
Identifiers: ClinVar variation 859377 (VCV000859377.10), dbSNP rs1300578677, ClinGen allele CA404040404.